The following is an entry in ClinVar:

NM_003588.4(CUL4B):c.5T>C (p.Met2Thr)

Gene: CUL4B (cullin 4B; minus strand). Cytogenetic location: Xq24.
Variant type: single nucleotide variant.
Coding change: c.5T>C on transcript NM_003588.4; coding-DNA position 5, T replaced by C.
Protein change: p.Met2Thr; replaces methionine 2 with threonine.
Molecular consequence: missense variant.
Genome position (GRCh38, 1-based): chrX:120,574,613, A>G on the plus strand (T>C on the coding strand, the complement: CUL4B is on the minus strand). VCF-style: chrX-120574613-A-G. GRCh37 (hg19) VCF-style: chrX-119708468-A-G.
Other names: short protein forms M2T.
Identifiers: ClinVar variation 1895714 (VCV001895714.5), dbSNP rs2521247234, ClinGen allele CA414207583.

ClinVar aggregate classification (germline): Uncertain significance. Review status: criteria provided, multiple submitters, no conflicts (2 of 4 stars). 2 submissions from 2 submitters: Uncertain significance (2). Last evaluated 2024-12-19.

Conditions:
X-linked intellectual disability Cabezas type (MRXSC). Also called: CABEZAS SYNDROME; MENTAL RETARDATION, X-LINKED, SYNDROMIC 15; Intellectual developmental disorder, X-linked syndromic, Cabezas type. Identifiers: Orphanet 85289, Orphanet 85293, MedGen C1845861, MONDO:0010306, OMIM 300354.
CUL4B-related disorder. Also called: CUL4B-related condition.

Allele frequency attached by ClinVar (database versions not stated): gnomAD exomes below 0.00001.
gnomAD v4.1: 1 of 1,201,867 alleles (0.000083%); highest among the groups gnomAD compares: Non-Finnish European, 0.00011%; no homozygotes.

Submissions (2):

PreventionGenetics, part of Exact Sciences
Classification: Uncertain significance for CUL4B-related condition. Last evaluated: 2024-12-19. Review status: criteria provided, single submitter. Criteria: ACMG Guidelines, 2015. Collection method: clinical testing. Allele origin: germline.
Comment: The CUL4B c.5T>C variant is predicted to result in the amino acid substitution p.Met2Thr. To our knowledge, this variant has not been reported in the literature or in a large population database (gnomAD), indicating this variant is rare. At this time, the clinical significance of this variant is uncertain due to the absence of conclusive functional and genetic evidence.

Labcorp Genetics (formerly Invitae), Labcorp
Classification: Uncertain significance for X-linked intellectual disability Cabezas type. Last evaluated: 2024-01-29. Review status: criteria provided, single submitter. Criteria: Invitae Variant Classification Sherloc (09022015). Collection method: clinical testing. Allele origin: germline.
Comment: This sequence change replaces methionine, which is neutral and non-polar, with threonine, which is neutral and polar, at codon 2 of the CUL4B protein (p.Met2Thr). This variant is not present in population databases (gnomAD no frequency). This variant has not been reported in the literature in individuals affected with CUL4B-related conditions. ClinVar contains an entry for this variant (Variation ID: 1895714). An algorithm developed to predict the effect of missense changes on protein structure and function (PolyPhen-2) suggests that this variant is likely to be tolerated. In summary, the available evidence is currently insufficient to determine the role of this variant in disease. Therefore, it has been classified as a Variant of Uncertain Significance.